The following is an entry in ClinVar:

NM_015158.5(KANK1):c.1190A>G (p.Glu397Gly)

Gene: KANK1 (KN motif and ankyrin repeat domains 1; plus strand). Cytogenetic location: 9p24.3.
Variant type: single nucleotide variant.
Coding change: c.1190A>G on transcript NM_015158.5 (MANE Select); coding-DNA position 1190, A replaced by G.
Protein change: p.Glu397Gly; replaces glutamic acid 397 with glycine.
Molecular consequence: missense variant. On other transcripts: non-coding transcript variant (1).
Genome position (GRCh38, 1-based): chr9:711,956, A>G. VCF-style: chr9-711956-A-G. GRCh37 (hg19) VCF-style: chr9-711956-A-G.
Other names: c.1190A>G, p.Glu397Gly (NM_001256876.3, NM_001256877.3, NM_001354331.2 and 2 more transcripts); c.716A>G, p.Glu239Gly (NM_001354333.2, NM_001354335.2, NM_001354336.2 and 9 more transcripts); short protein forms E239G, E397G.
Identifiers: ClinVar variation 2514817 (VCV002514817.3), dbSNP rs766893794, ClinGen allele CA4960148.
Genomic context (GRCh38, chr9:711,956, plus strand): 5'-TGGAGCAGAAGATCCAGGACAGCAGCTGTGAGGCCTCCTCAGAGCTCAGGGAGAATGGAG[A>G]GTGCCGGTCTGTGGCTGTGGGTGCCGAGGAGAACATGAACGACATCGTCGTGTACCACAG-3'
Protein context (NP_055973.2, residues 387-407): EASSELRENG[Glu397Gly]CRSVAVGAEE

ClinVar aggregate classification (germline): Uncertain significance (1 of 4 stars; one submission).

Allele frequency attached by ClinVar (database versions not stated): gnomAD exomes 0.00001; gnomAD 0.00002; TOPMed 0.00004; ExAC 0.00005.
gnomAD v4.1: 14 of 1,614,038 alleles (0.00087%); highest among the groups gnomAD compares: East Asian, 0.025%; no homozygotes.

Submission:

Ambry Genetics
Classification: Uncertain significance. Last evaluated: 2023-03-29. Review status: criteria provided, single submitter. Criteria: Ambry Variant Classification Scheme 2023. Collection method: clinical testing. Allele origin: germline.
Comment: Does not currently meet published gene-disease clinical validity criteria Based on insufficient or conflicting evidence, the clinical significance of this alteration remains unclear.

Literature cited by the submitters: PubMed 28106320.